The following is an entry in ClinVar:

ClinVar aggregate classification (germline): Uncertain significance (1 of 4 stars; one submission).

Conditions:
Inborn genetic diseases. Identifiers: MedGen C0950123, MeSH D030342.

Submission:

Ambry Genetics
Classification: Uncertain significance for Inborn genetic diseases. Last evaluated: 2026-08-21. Review status: criteria provided, single submitter. Criteria: Ambry Variant Classification Scheme 2023. Collection method: clinical testing. Allele origin: germline.
Comment: The c.768G>A (p.Q256Q) alteration is located in exon 6 (coding exon 6) of the SHANK3 gene. This alteration consists of a G to A substitution at nucleotide position 768. This nucleotide substitution does not change the amino acid at codon 256. However, this change occurs in the last base pair of exon 6 (coding exon 6), which makes it likely to have some effect on normal mRNA splicing. This variant was not reported in population-based cohorts in the Genome Aggregation Database (gnomAD). This nucleotide position is highly conserved in available vertebrate species. In silico splice site analysis predicts that this alteration will weaken the native splice donor site. Based on insufficient or conflicting evidence, the clinical significance of this alteration remains unclear.

NM_001372044.2(SHANK3):c.993G>A (p.Gln331=)

Gene: SHANK3 (SH3 and multiple ankyrin repeat domains 3; plus strand). Cytogenetic location: 22q13.33.
Variant type: single nucleotide variant.
Coding change: c.993G>A on transcript NM_001372044.2 (MANE Select); coding-DNA position 993, G replaced by A.
Protein change: p.Gln331=; no amino-acid change (glutamine 331 retained).
Molecular consequence: synonymous variant.
Genome position (GRCh38, 1-based): chr22:50,679,186, G>A. VCF-style: chr22-50679186-G-A. GRCh37 (hg19) VCF-style: chr22-51117614-G-A.
Other names: c.768G>A (NM_033517.1).
Identifiers: ClinVar variation 5029542 (VCV005029542.1).